The following is an entry in ClinVar:

NM_001042472.3(ABHD12):c.423-68C>T

Gene: ABHD12 (abhydrolase domain containing 12, lysophospholipase; minus strand). Cytogenetic location: 20p11.21.
Variant type: single nucleotide variant.
Coding change: c.423-68C>T on transcript NM_001042472.3 (MANE Select); 68 bases into the intron before coding-DNA position 423, C replaced by T.
Molecular consequence: intron variant.
Genome position (GRCh38, 1-based): chr20:25,320,386, G>A on the plus strand (C>T on the coding strand, the complement: ABHD12 is on the minus strand). VCF-style: chr20-25320386-G-A. GRCh37 (hg19) VCF-style: chr20-25301022-G-A.
Other names: c.423-68C>T (NM_015600.5).
Identifiers: ClinVar variation 676565 (VCV000676565.5), dbSNP rs2274890, ClinGen allele CA14754325.

ClinVar aggregate classification (germline): Benign. Review status: criteria provided, multiple submitters, no conflicts (2 of 4 stars). 3 submissions from 3 submitters: Benign (3). Last evaluated 2021-07-14.

Conditions:
PHARC syndrome. Also called: Polyneuropathy-hearing loss-ataxia-retinitis pigmentosa-cataract syndrome. Identifiers: Orphanet 171848, MedGen C2675204, MONDO:0012984, OMIM 612674.

Allele frequency attached by ClinVar (database versions not stated): gnomAD 0.21695 and 0.22521; TOPMed 0.21799; gnomAD exomes 0.26369; 1000 Genomes Project 30x 0.27467; 1000 Genomes Project 0.28754.
gnomAD v4.1: 415,980 of 1,600,530 alleles (26%); highest among the groups gnomAD compares: East Asian, 58%; 58,166 homozygotes.

Submissions (3):

Genome-Nilou Lab
Classification: Benign for PHARC syndrome. Last evaluated: 2021-07-14. Review status: criteria provided, single submitter. Criteria: ACMG Guidelines, 2015. Collection method: clinical testing. Allele origin: germline. Affected: no.

GeneDx
Classification: Benign. Last evaluated: 2018-06-14. Review status: criteria provided, single submitter. Criteria: GeneDx Variant Classification (06012015). Collection method: clinical testing. Allele origin: germline. Affected: yes.
Comment: This variant is considered likely benign or benign based on one or more of the following criteria: it is a conservative change, it occurs at a poorly conserved position in the protein, it is predicted to be benign by multiple in silico algorithms, and/or has population frequency not consistent with disease.

Breakthrough Genomics
Classification: Benign. Review status: criteria provided, single submitter. Criteria: ACMG Guidelines, 2015. Collection method: not provided. Allele origin: germline. Inheritance: Autosomal recessive inheritance. Affected: yes.